The following is an entry in ClinVar:

ClinVar aggregate classification (germline): Uncertain significance (1 of 4 stars; one submission).

Submission:

Labcorp Genetics (formerly Invitae), Labcorp
Classification: Uncertain significance. Last evaluated: 2025-10-13. Review status: criteria provided, single submitter. Criteria: Invitae Variant Classification Sherloc (09022015). Collection method: clinical testing. Allele origin: germline.
Comment: This sequence change replaces asparagine, which is neutral and polar, with serine, which is neutral and polar, at codon 766 of the ELP1 protein (p.Asn766Ser). This variant is not present in population databases (gnomAD no frequency). This variant has not been reported in the literature in individuals affected with ELP1-related conditions. Invitae Evidence Modeling of protein sequence and biophysical properties (such as structural, functional, and spatial information, amino acid conservation, physicochemical variation, residue mobility, and thermodynamic stability) indicates that this missense variant is not expected to disrupt ELP1 protein function with a negative predictive value of 80%. In summary, the available evidence is currently insufficient to determine the role of this variant in disease. Therefore, it has been classified as a Variant of Uncertain Significance.

NM_003640.5(ELP1):c.2297A>G (p.Asn766Ser)

Gene: ELP1 (elongator acetyltransferase complex subunit 1; minus strand). Cytogenetic location: 9q31.3.
Variant type: single nucleotide variant.
Coding change: c.2297A>G on transcript NM_003640.5 (MANE Select); coding-DNA position 2297, A replaced by G.
Protein change: p.Asn766Ser; replaces asparagine 766 with serine.
Molecular consequence: missense variant.
Genome position (GRCh38, 1-based): chr9:108,898,568, T>C on the plus strand (A>G on the coding strand, the complement: ELP1 is on the minus strand). VCF-style: chr9-108898568-T-C. GRCh37 (hg19) VCF-style: chr9-111660848-T-C.
Other names: c.1955A>G, p.Asn652Ser (NM_001318360.2); c.1250A>G, p.Asn417Ser (NM_001330749.2); short protein forms N417S, N766S, N652S.
Identifiers: ClinVar variation 4737354 (VCV004737354.1).
Genomic context (GRCh38, chr9:108,898,568, plus strand): 5'-TCTGTAAAAAACAAGTTAATATGATTCACAGAATCTATCTGTTTAATGAAGGTTTCCACA[T>C]TTCCAAGAAACACCTACCAAAAAAAGGACAAAACATCTTCGTTCAGATCATATTAGTTTA-3'
Protein context (NP_003631.2, residues 756-776): YDHNPKVFLG[Asn766Ser]VETFIKQIDS